The following is an entry in ClinVar:

ClinVar aggregate classification (germline): Likely benign (1 of 4 stars; one submission).

Conditions:
Long QT syndrome (LQTS). Identifiers: MedGen C0023976, MeSH D008133, MONDO:0002442. Disease mechanism: loss of function. Inheritance: Various modes of inheritance.

Submissions (2):

Labcorp Genetics (formerly Invitae), Labcorp
Classification: Likely benign for Long QT syndrome. Last evaluated: 2025-01-14. Review status: criteria provided, single submitter. Criteria: Invitae Variant Classification Sherloc (09022015). Collection method: clinical testing. Allele origin: germline.

Roden Lab, Vanderbilt University Medical Center
No classification provided (evidence only). Condition: Long QT syndrome 5. Review status: no classification provided. Collection method: in vitro. Allele origin: not applicable. Functional consequence: Effect on ion channel function. Not counted in ClinVar's aggregate classification.
ClinVar note: "not provided" was previously submitted as the classification for the variant. However, the classification appeared to be based only on an observation of functional data so it was converted to no classification on 2025-07-30.

NM_000219.6(KCNE1):c.189G>T (p.Leu63=)

Gene: KCNE1 (potassium voltage-gated channel subfamily E regulatory subunit 1; minus strand). Cytogenetic location: 21q22.12.
Variant type: single nucleotide variant.
Coding change: c.189G>T on transcript NM_000219.6 (MANE Select); coding-DNA position 189, G replaced by T.
Protein change: p.Leu63=; no amino-acid change (leucine 63 retained).
Molecular consequence: synonymous variant.
Genome position (GRCh38, 1-based): chr21:34,449,446, C>A on the plus strand (G>T on the coding strand, the complement: KCNE1 is on the minus strand). VCF-style: chr21-34449446-C-A. GRCh37 (hg19) VCF-style: chr21-35821744-C-A.
Other names: c.189G>T, p.Leu63= (NM_001127668.4, NM_001127669.4, NM_001127670.4 and 4 more transcripts).
Identifiers: ClinVar variation 527092 (VCV000527092.10), dbSNP rs1057521237, ClinGen allele CA658799411.